The following is an entry in ClinVar:

ClinVar aggregate classification (germline): Uncertain significance (1 of 4 stars; one submission).

Conditions:
Dyskeratosis congenita. Identifiers: Orphanet 1775, MedGen C0265965, MONDO:0015780.

gnomAD v4.1: 2 of 1,594,406 alleles (0.00013%); highest among the groups gnomAD compares: Non-Finnish European, 0.00017%; no homozygotes.

Submission:

Ambry Genetics
Classification: Uncertain significance for Dyskeratosis congenita. Last evaluated: 2026-04-10. Review status: criteria provided, single submitter. Criteria: Ambry Variant Classification Scheme 2023. Collection method: clinical testing. Allele origin: germline.
Comment: The p.G198E variant (also known as c.593G>A), located in coding exon 2 of the TERT gene, results from a G to A substitution at nucleotide position 593. The glycine at codon 198 is replaced by glutamic acid, an amino acid with similar properties. This amino acid position is conserved. In addition, the in silico prediction for this alteration is inconclusive. Based on the available evidence, the clinical significance of this variant remains unclear.

NM_198253.3(TERT):c.593G>A (p.Gly198Glu)

Gene: TERT (telomerase reverse transcriptase; minus strand). Cytogenetic location: 5p15.33.
Variant type: single nucleotide variant.
Coding change: c.593G>A on transcript NM_198253.3 (MANE Select); coding-DNA position 593, G replaced by A.
Protein change: p.Gly198Glu; replaces glycine 198 with glutamic acid.
Molecular consequence: missense variant. On other transcripts: non-coding transcript variant (2).
Genome position (GRCh38, 1-based): chr5:1,294,293, C>T on the plus strand (G>A on the coding strand, the complement: TERT is on the minus strand). VCF-style: chr5-1294293-C-T. GRCh37 (hg19) VCF-style: chr5-1294408-C-T.
Other names: c.593G>A, p.Gly198Glu (NM_001193376.3); short protein forms G198E.
Identifiers: ClinVar variation 4865461 (VCV004865461.1).